The following is an entry in ClinVar:

ClinVar aggregate classification (germline): Uncertain significance. Review status: criteria provided, multiple submitters, no conflicts (2 of 4 stars). 4 submissions from 4 submitters: Uncertain significance (2). 2 of the submissions do not count toward it. Last evaluated 2024-10-22.

Conditions:
Nemaline myopathy 2 (NEM2). Also called: Nemaline myopathy 2, autosomal recessive. Identifiers: MedGen C1850569, MONDO:0009725, OMIM 256030.

Submissions (4):

Labcorp Genetics (formerly Invitae), Labcorp
Classification: Uncertain significance for Nemaline myopathy 2. Last evaluated: 2024-10-22. Review status: criteria provided, single submitter. Criteria: Invitae Variant Classification Sherloc (09022015). Collection method: clinical testing. Allele origin: germline.
Comment: This variant, c.24398_24400dup, results in the insertion of 1 amino acid(s) of the NEB protein (p.Ile8133dup), but otherwise preserves the integrity of the reading frame. This variant is present in population databases (rs780724946, gnomAD 0.1%). This variant has not been reported in the literature in individuals affected with NEB-related conditions. ClinVar contains an entry for this variant (Variation ID: 551475). Experimental studies and prediction algorithms are not available or were not evaluated, and the functional significance of this variant is currently unknown. In summary, the available evidence is currently insufficient to determine the role of this variant in disease. Therefore, it has been classified as a Variant of Uncertain Significance.

Revvity Omics, Revvity
Classification: Uncertain significance. Last evaluated: 2020-08-18. Review status: criteria provided, single submitter. Criteria: ACMG Guidelines, 2015. Collection method: clinical testing. Allele origin: germline.

Natera, Inc.
Classification: Uncertain significance for Nemaline myopathy type 2. Last evaluated: 2020-01-17. Review status: no assertion criteria provided. Collection method: clinical testing. Allele origin: germline. Not counted in ClinVar's aggregate classification.

Counsyl
Classification: Uncertain significance for Nemaline myopathy 2. Last evaluated: 2017-04-12. Review status: no assertion criteria provided. Collection method: clinical testing. Allele origin: unknown. Not counted in ClinVar's aggregate classification.

NM_001164508.2(NEB):c.24293_24295dup (p.Ile8098dup)

Genes: RIF1 (replication timing regulatory factor 1; plus strand), NEB (nebulin; minus strand). Cytogenetic location: 2q23.3.
Variant type: Duplication.
Coding change: c.24293_24295dup on transcript NM_001164508.2 (MANE Select); coding-DNA positions 24293 to 24295, 3 bases duplicated (TTA; older notation c.24293_24295dupTTA).
Protein change: p.Ile8098dup; duplicates isoleucine 8098.
Molecular consequence: inframe insertion. On other transcripts: intron variant (1).
Genome position (GRCh38, 1-based): chr2:151,497,631-151,497,633, TAA duplicated on the plus strand (TTA on the coding strand, the reverse complement: NEB is on the minus strand); duplicating any 3 consecutive bases within chr2:151,497,631-151,497,635 gives the same sequence; the c. name uses the placement nearest the transcript's 3' end. VCF-style (leftmost placement, unchanged base first): chr2-151497630-C-CTAA. GRCh37 (hg19) VCF-style: chr2-152354144-C-CTAA.
Other names: c.24398_24400dupTTA (NM_001271208.1); c.24293_24295dup, p.Ile8098dup (NM_001164507.2); c.24398_24400dup, p.Ile8133dup (NM_001271208.2); c.18826-1265_18826-1263dup (NM_004543.5).
Identifiers: ClinVar variation 551475 (VCV000551475.12), dbSNP rs780724946, ClinGen allele CA1906107.